The following is an entry in ClinVar:

ClinVar aggregate classification (germline): Uncertain significance (1 of 4 stars; one submission).

Allele frequency attached by ClinVar (database versions not stated): gnomAD exomes 0.00001 and 0.00002; TOPMed 0.00002.
gnomAD v4.1: 8 of 1,613,956 alleles (0.0005%); highest among the groups gnomAD compares: Admixed American, 0.012%; no homozygotes.

Submission:

Labcorp Genetics (formerly Invitae), Labcorp
Classification: Uncertain significance. Last evaluated: 2022-02-10. Review status: criteria provided, single submitter. Criteria: Invitae Variant Classification Sherloc (09022015). Collection method: clinical testing. Allele origin: germline.
Comment: This sequence change replaces alanine, which is neutral and non-polar, with glycine, which is neutral and non-polar, at codon 20 of the CCDC8 protein (p.Ala20Gly). This variant is present in population databases (no rsID available, gnomAD 0.01%). This variant has not been reported in the literature in individuals affected with CCDC8-related conditions. Algorithms developed to predict the effect of missense changes on protein structure and function are either unavailable or do not agree on the potential impact of this missense change (SIFT: "Deleterious"; PolyPhen-2: "Possibly Damaging"; Align-GVGD: "Class C0"). In summary, the available evidence is currently insufficient to determine the role of this variant in disease. Therefore, it has been classified as a Variant of Uncertain Significance.

NM_032040.5(CCDC8):c.59C>G (p.Ala20Gly)

Gene: CCDC8 (coiled-coil domain containing 8; minus strand). Cytogenetic location: 19q13.32.
Variant type: single nucleotide variant.
Coding change: c.59C>G on transcript NM_032040.5 (MANE Select); coding-DNA position 59, C replaced by G.
Protein change: p.Ala20Gly; replaces alanine 20 with glycine.
Molecular consequence: missense variant.
Genome position (GRCh38, 1-based): chr19:46,412,752, G>C on the plus strand (C>G on the coding strand, the complement: CCDC8 is on the minus strand). VCF-style: chr19-46412752-G-C. GRCh37 (hg19) VCF-style: chr19-46916009-G-C.
Other names: short protein forms A20G.
Identifiers: ClinVar variation 1443380 (VCV001443380.3), dbSNP rs1423582593, ClinGen allele CA406464376.
Genomic context (GRCh38, chr19:46,412,752, plus strand): 5'-CGCTCCCGAAATTCTGCTTCCTTGGTGGCGGGCTTAGAGATGACTCTCCAGACGCCCCCA[G>C]CCAGCCTGACCTCCCGGGGGATGAGCAAATAGTCGACGTCCTCCCCGATCTGCAGCATCC-3'
Protein context (NP_114429.2, residues 10-30): YLLIPREVRL[Ala20Gly]GGVWRVISKP